The following is an entry in ClinVar:

ClinVar aggregate classification (germline): Pathogenic (1 of 4 stars; one submission).

Conditions:
Hereditary cancer-predisposing syndrome. Also called: Neoplastic Syndromes, Hereditary; Tumor predisposition; Hereditary Cancer Syndrome; Hereditary neoplastic syndrome. Identifiers: Orphanet 140162, MedGen C0027672, MeSH D009386, MONDO:0015356.

Submission:

Ambry Genetics
Classification: Pathogenic for Hereditary cancer-predisposing syndrome. Last evaluated: 2021-06-09. Review status: criteria provided, single submitter. Criteria: Ambry Variant Classification Scheme 2023. Collection method: clinical testing. Allele origin: germline.
Comment: The p.Q341* pathogenic mutation (also known as c.1021C>T), located in coding exon 9 of the POT1 gene, results from a C to T substitution at nucleotide position 1021. This changes the amino acid from a glutamine to a stop codon within coding exon 9. This alteration is expected to result in loss of function by premature protein truncation or nonsense-mediated mRNA decay. As such, this alteration is interpreted as a disease-causing mutation.

NM_015450.3(POT1):c.1021C>T (p.Gln341Ter)

Gene: POT1 (protection of telomeres 1; minus strand). Cytogenetic location: 7q31.33.
Variant type: single nucleotide variant.
Coding change: c.1021C>T on transcript NM_015450.3 (MANE Select); coding-DNA position 1021, C replaced by T.
Protein change: p.Gln341Ter; replaces glutamine 341 with a stop codon.
Molecular consequence: nonsense. On other transcripts: non-coding transcript variant (3).
Genome position (GRCh38, 1-based): chr7:124,842,949, G>A on the plus strand (C>T on the coding strand, the complement: POT1 is on the minus strand). VCF-style: chr7-124842949-G-A. GRCh37 (hg19) VCF-style: chr7-124483003-G-A.
Other names: c.628C>T, p.Gln210Ter (NM_001042594.2); short protein forms Q341*, Q210*.
Identifiers: ClinVar variation 1760899 (VCV001760899.2), dbSNP rs767757297, ClinGen allele CA369068614.